The following is an entry in ClinVar:

ClinVar aggregate classification (germline): Uncertain significance (1 of 4 stars; one submission).

Submission:

CeGaT Center for Human Genetics Tuebingen
Classification: Uncertain significance. Last evaluated: 2025-02-01. Review status: criteria provided, single submitter. Criteria: CeGaT Center For Human Genetics Tuebingen Variant Classification Criteria Version 2. Collection method: clinical testing. Allele origin: germline. Affected: yes. Observed: 1 variant allele.
Comment: DDB1: PM2

NM_001923.5(DDB1):c.2084A>G (p.Asn695Ser)

Gene: DDB1 (damage specific DNA binding protein 1; minus strand). Cytogenetic location: 11q12.2.
Variant type: single nucleotide variant.
Coding change: c.2084A>G on transcript NM_001923.5 (MANE Select); coding-DNA position 2084, A replaced by G.
Protein change: p.Asn695Ser; replaces asparagine 695 with serine.
Molecular consequence: missense variant.
Genome position (GRCh38, 1-based): chr11:61,312,070, T>C on the plus strand (A>G on the coding strand, the complement: DDB1 is on the minus strand). VCF-style: chr11-61312070-T-C. GRCh37 (hg19) VCF-style: chr11-61079542-T-C.
Other names: short protein forms N695S.
Identifiers: ClinVar variation 3771475 (VCV003771475.13).
Genomic context (GRCh38, chr11:61,312,070, plus strand): 5'-ACTGTGCGAATGTGCAGCTTCTGGATCTCATCGATGGTGCCAATGGTGAGGGTGCTATTG[T>C]TGGCCAGCGCCAGGCTGGAAAGAAGGGTCTGGGTTTAGACTGAGGAGACTCAAGGAAGGC-3'
Protein context (NP_001914.3, residues 685-705): DGYPDSLALA[Asn695Ser]NSTLTIGTID